The following is an entry in ClinVar:

ClinVar aggregate classification (germline): Likely pathogenic. Review status: criteria provided, multiple submitters, no conflicts (2 of 4 stars). 2 submissions from 2 submitters: Likely pathogenic (2). Last evaluated 2022-08-23.

Conditions:
SPATA5-related disorder.
Microcephaly-intellectual disability-sensorineural hearing loss-epilepsy-abnormal muscle tone syndrome (NEDHSB). Also called: NEURODEVELOPMENTAL DISORDER WITH HEARING LOSS, SEIZURES, AND BRAIN ABNORMALITIES. Identifiers: Orphanet 457351, MedGen C4225276, MONDO:0014698, OMIM 616577.

Submissions (2):

Labcorp Genetics (formerly Invitae), Labcorp
Classification: Likely pathogenic for Microcephaly-intellectual disability-sensorineural hearing loss-epilepsy-abnormal muscle tone syndrome. Last evaluated: 2022-08-23. Review status: criteria provided, single submitter. Criteria: Invitae Variant Classification Sherloc (09022015). Collection method: clinical testing. Allele origin: germline.
Comment: This variant is not present in population databases (gnomAD no frequency). This sequence change affects a splice site in intron 5 of the SPATA5 gene. It is expected to disrupt RNA splicing. Variants that disrupt the donor or acceptor splice site typically lead to a loss of protein function (PMID: 16199547), and loss-of-function variants in SPATA5 are known to be pathogenic (PMID: 26299366). This variant has not been reported in the literature in individuals affected with SPATA5-related conditions. In summary, the currently available evidence indicates that the variant is pathogenic, but additional data are needed to prove that conclusively. Therefore, this variant has been classified as Likely Pathogenic. Algorithms developed to predict the effect of sequence changes on RNA splicing suggest that this variant may disrupt the consensus splice site. ClinVar contains an entry for this variant (Variation ID: 1067234).

Blueprint Genetics
Classification: Likely pathogenic for SPATA5-related disorders. Last evaluated: 2020-02-13. Review status: criteria provided, single submitter. Criteria: ACMG Guidelines, 2015. Collection method: clinical testing. Allele origin: germline. Affected: yes. Observed: 1 variant allele.

Literature cited by the submitters: PubMed 16199547 (cited by Labcorp Genetics (formerly Invitae), Labcorp); PubMed 26299366 (cited by Labcorp Genetics (formerly Invitae), Labcorp).

NM_145207.3(AFG2A):c.1147+1_1147+5del

Gene: AFG2A (AAA ATPase AFG2A; plus strand). Cytogenetic location: 4q28.1.
Variant type: Deletion.
Coding change: c.1147+1_1147+5del on transcript NM_145207.3 (MANE Select); the canonical splice donor site of the intron after coding-DNA position 1147 through 5 bases into the intron after coding-DNA position 1147, 5 bases deleted (GTATG; older notation c.1147+1_1147+5delGTATG).
Molecular consequence: splice donor variant.
Genome position (GRCh38, 1-based): chr4:122,934,739-122,934,743, GTATG deleted; deleting any 5 consecutive bases within chr4:122,934,735-122,934,743 gives the same sequence; the c. name uses the placement nearest the transcript's 3' end. VCF-style (leftmost placement, unchanged base first): chr4-122934734-TTATGG-T. GRCh37 (hg19) VCF-style: chr4-123855889-TTATGG-T.
Other names: c.1144+1_1144+5del (NM_001345856.2, NM_001317799.2).
Identifiers: ClinVar variation 1067234 (VCV001067234.5), dbSNP rs2125739189, ClinGen allele CA2499217073.